The following is an entry in ClinVar:

NM_000384.3(APOB):c.5178T>G (p.Ile1726Met)

Gene: APOB (apolipoprotein B; minus strand). Cytogenetic location: 2p24.1.
Variant type: single nucleotide variant.
Coding change: c.5178T>G on transcript NM_000384.3 (MANE Select); coding-DNA position 5178, T replaced by G.
Protein change: p.Ile1726Met; replaces isoleucine 1726 with methionine.
Molecular consequence: missense variant.
Genome position (GRCh38, 1-based): chr2:21,011,690, A>C on the plus strand (T>G on the coding strand, the complement: APOB is on the minus strand). VCF-style: chr2-21011690-A-C. GRCh37 (hg19) VCF-style: chr2-21234562-A-C.
Other names: short protein forms I1726M.
Identifiers: ClinVar variation 1383471 (VCV001383471.6), dbSNP rs2103358718, ClinGen allele CA346005306.

ClinVar aggregate classification (germline): Uncertain significance (1 of 4 stars; one submission).

Conditions:
Familial hypobetalipoproteinemia 1. Also called: APOB-Related Familial Hypobetalipoproteinemia; Hypobetalipoproteinemia, normotriglyceridemic; Acanthocytosis with hypobetalipoproteinemia. Identifiers: MedGen C4551990, MONDO:0014252, OMIM 615558.
Hypercholesterolemia, autosomal dominant, type B (FHCL2). Also called: Familial Hypercholesterolemia Type B; APOLIPOPROTEIN B-100, FAMILIAL DEFECTIVE; APOLIPOPROTEIN B-100, FAMILIAL LIGAND-DEFECTIVE; HYPERCHOLESTEROLEMIA, FAMILIAL, DUE TO LIGAND-DEFECTIVE APOLIPOPROTEIN B; APOB-Related Familial Hypercholesterolemia, Autosomal Dominant; Familial hypercholesterolemia 2. Identifiers: MedGen C1704417, MONDO:0007751, OMIM 144010.

Submission:

Labcorp Genetics (formerly Invitae), Labcorp
Classification: Uncertain significance for Familial hypobetalipoproteinemia 1; Hypercholesterolemia, autosomal dominant, type B. Last evaluated: 2021-09-26. Review status: criteria provided, single submitter. Criteria: Invitae Variant Classification Sherloc (09022015). Collection method: clinical testing. Allele origin: germline.
Comment: This variant is not present in population databases (ExAC no frequency). This sequence change replaces isoleucine with methionine at codon 1726 of the APOB protein (p.Ile1726Met). The isoleucine residue is weakly conserved and there is a small physicochemical difference between isoleucine and methionine. This variant has not been reported in the literature in individuals affected with APOB-related conditions. In summary, the available evidence is currently insufficient to determine the role of this variant in disease. Therefore, it has been classified as a Variant of Uncertain Significance. Algorithms developed to predict the effect of missense changes on protein structure and function are either unavailable or do not agree on the potential impact of this missense change (SIFT: "Deleterious"; PolyPhen-2: "Benign"; Align-GVGD: "Class C0").